The following is an entry in ClinVar:

NM_054027.6(ANKH):c.1011+14_1011+15delinsTG

Gene: ANKH (ANKH inorganic pyrophosphate transport regulator; minus strand). Cytogenetic location: 5p15.2.
Variant type: Indel.
Coding change: c.1011+14_1011+15delinsTG on transcript NM_054027.6 (MANE Select); bases 14 to 15 of the intron after coding-DNA position 1011, CT replaced by TG.
Molecular consequence: intron variant.
Genome position (GRCh38, 1-based): chr5:14,741,812-14,741,813, AG replaced by CA on the plus strand (CT replaced by TG on the coding strand, the reverse complement: ANKH is on the minus strand). VCF-style: chr5-14741812-AG-CA. GRCh37 (hg19) VCF-style: chr5-14741921-AG-CA.
Identifiers: ClinVar variation 3608675 (VCV003608675.2).

ClinVar aggregate classification (germline): Uncertain significance (1 of 4 stars; one submission).

Submission:

Labcorp Genetics (formerly Invitae), Labcorp
Classification: Uncertain significance. Last evaluated: 2024-03-29. Review status: criteria provided, single submitter. Criteria: Invitae Variant Classification Sherloc (09022015). Collection method: clinical testing. Allele origin: germline.
Comment: This sequence change falls in intron 8 of the ANKH gene. It does not directly change the encoded amino acid sequence of the ANKH protein. Information on the frequency of this variant in the gnomAD database is not available, as this variant may be reported differently in the database. This variant has not been reported in the literature in individuals affected with ANKH-related conditions. Experimental studies and prediction algorithms are not available or were not evaluated, and the effect of this variant on mRNA splicing is currently unknown. In summary, the available evidence is currently insufficient to determine the role of this variant in disease. Therefore, it has been classified as a Variant of Uncertain Significance.